The following is an entry in ClinVar:

NC_000023.10:g.(?_152959991)_(152960815_?)del

Gene: SLC6A8 (solute carrier family 6 member 8; plus strand). Cytogenetic location: Xq28.
Variant type: Deletion.
Identifiers: ClinVar variation 2425389 (VCV002425389.4).

ClinVar aggregate classification (germline): Pathogenic (1 of 4 stars; one submission).

Conditions:
Creatine transporter deficiency (CCDS1). Also called: CEREBRAL CREATINE DEFICIENCY SYNDROME 1; Creatine Transporter (CRTR) Deficiency; Mental retardation , X-linked with seizures, short stature and midface hypoplasia; Mental retardation , X-linked, with creatine transport deficiency; X-linked creatine transporter deficiency; X-linked creatine deficiency syndrome. Identifiers: Orphanet 52503, MedGen C1845862, MONDO:0010305, OMIM 300352.

Submission:

Labcorp Genetics (formerly Invitae), Labcorp
Classification: Pathogenic for Creatine transporter deficiency. Last evaluated: 2022-07-18. Review status: criteria provided, single submitter. Criteria: Invitae Variant Classification Sherloc (09022015). Collection method: clinical testing. Allele origin: germline.
Comment: For these reasons, this variant has been classified as Pathogenic. This variant disrupts a region of the SLC6A8 protein in which other variant(s) (p.Pro554Leu) have been determined to be pathogenic (PMID: 15154114, 21836662, 23660394, 25803912). This suggests that this is a clinically significant region of the protein, and that variants that disrupt it are likely to be disease-causing. This variant has not been reported in the literature in individuals affected with SLC6A8-related conditions. This variant results in the deletion of exons 12-13 and part of exon 11 (c.1501_*148del) of the SLC6A8 gene. While this deletion is not anticipated to lead to nonsense mediated decay, it is expected to alter mRNA translation or result in a truncated protein product.

Literature cited by the submitters: PubMed 15154114; PubMed 21836662; PubMed 23660394; PubMed 25803912.